The following is an entry in ClinVar:

ClinVar aggregate classification (germline): Uncertain significance (1 of 4 stars; one submission).

Conditions:
Joubert syndrome. Also called: CEREBELLOPARENCHYMAL DISORDER IV; JOUBERT-BOLTSHAUSER SYNDROME; Familial aplasia of the vermis. Identifiers: Orphanet 475, MedGen C5979921, MONDO:0018772.
Orofaciodigital syndrome I (OFD1). Also called: OFDS I; Papillon-Leage and Psaume Syndrome; Oral-Facial-Digital Syndrome Type I. Identifiers: Orphanet 2750, MedGen C1510460, MONDO:0010702, OMIM 311200.

Submission:

Labcorp Genetics (formerly Invitae), Labcorp
Classification: Uncertain significance for Orofaciodigital syndrome I; Joubert syndrome. Last evaluated: 2024-04-17. Review status: criteria provided, single submitter. Criteria: Invitae Variant Classification Sherloc (09022015). Collection method: clinical testing. Allele origin: germline.
Comment: This sequence change replaces leucine, which is neutral and non-polar, with serine, which is neutral and polar, at codon 144 of the OFD1 protein (p.Leu144Ser). This variant is not present in population databases (gnomAD no frequency). This variant has not been reported in the literature in individuals affected with OFD1-related conditions. Advanced modeling of protein sequence and biophysical properties (such as structural, functional, and spatial information, amino acid conservation, physicochemical variation, residue mobility, and thermodynamic stability) has been performed at Invitae for this missense variant, however the output from this modeling did not meet the statistical confidence thresholds required to predict the impact of this variant on OFD1 protein function. In summary, the available evidence is currently insufficient to determine the role of this variant in disease. Therefore, it has been classified as a Variant of Uncertain Significance.

NM_003611.3(OFD1):c.431T>C (p.Leu144Ser)

Gene: OFD1 (OFD1 centriole and centriolar satellite protein; plus strand). Cytogenetic location: Xp22.2.
Variant type: single nucleotide variant.
Coding change: c.431T>C on transcript NM_003611.3 (MANE Select); coding-DNA position 431, T replaced by C.
Protein change: p.Leu144Ser; replaces leucine 144 with serine.
Molecular consequence: missense variant.
Genome position (GRCh38, 1-based): chrX:13,744,433, T>C. VCF-style: chrX-13744433-T-C. GRCh37 (hg19) VCF-style: chrX-13762552-T-C.
Other names: c.431T>C, p.Leu144Ser (NM_001330209.2); c.11T>C, p.Leu4Ser (NM_001330210.2); short protein forms L144S, L4S.
Identifiers: ClinVar variation 3755918 (VCV003755918.2).